The following is an entry in ClinVar:

NM_021942.6(TRAPPC11):c.2932G>A (p.Ala978Thr)

Gene: TRAPPC11 (trafficking protein particle complex subunit 11; plus strand). Cytogenetic location: 4q35.1.
Variant type: single nucleotide variant.
Coding change: c.2932G>A on transcript NM_021942.6 (MANE Select); coding-DNA position 2932, G replaced by A.
Protein change: p.Ala978Thr; replaces alanine 978 with threonine.
Molecular consequence: missense variant.
Genome position (GRCh38, 1-based): chr4:183,701,777, G>A. VCF-style: chr4-183701777-G-A. GRCh37 (hg19) VCF-style: chr4-184622930-G-A.
Other names: c.2932G>A, p.Ala978Thr (NM_199053.3); short protein forms A978T.
Identifiers: ClinVar variation 2007419 (VCV002007419.3), dbSNP rs764729250, ClinGen allele CA3152379.

ClinVar aggregate classification (germline): Uncertain significance (1 of 4 stars; one submission).

Conditions:
Autosomal recessive limb-girdle muscular dystrophy type R18 (LGMDR18). Also called: Autosomal recessive limb-girdle muscular dystrophy type 2S; MUSCULAR DYSTROPHY, LIMB-GIRDLE, AUTOSOMAL RECESSIVE 18; Limb-girdle muscular dystrophy, type 2S. Identifiers: Orphanet 369840, MedGen C4517996, MONDO:0014144, OMIM 615356.

Allele frequency attached by ClinVar (database versions not stated): gnomAD exomes below 0.00001; ExAC 0.00001.
gnomAD v4.1: 1 of 1,613,560 alleles (0.000062%); highest among the groups gnomAD compares: Admixed American, 0.0017%; no homozygotes.

Submission:

Labcorp Genetics (formerly Invitae), Labcorp
Classification: Uncertain significance for Autosomal recessive limb-girdle muscular dystrophy type R18. Last evaluated: 2022-07-21. Review status: criteria provided, single submitter. Criteria: Invitae Variant Classification Sherloc (09022015). Collection method: clinical testing. Allele origin: germline.
Comment: In summary, the available evidence is currently insufficient to determine the role of this variant in disease. Therefore, it has been classified as a Variant of Uncertain Significance. Algorithms developed to predict the effect of missense changes on protein structure and function are either unavailable or do not agree on the potential impact of this missense change (SIFT: "Tolerated"; PolyPhen-2: "Probably Damaging"; Align-GVGD: "Class C0"). This variant has not been reported in the literature in individuals affected with TRAPPC11-related conditions. This variant is present in population databases (rs764729250, gnomAD 0.003%). This sequence change replaces alanine, which is neutral and non-polar, with threonine, which is neutral and polar, at codon 978 of the TRAPPC11 protein (p.Ala978Thr).